The following is an entry in ClinVar:

NM_004064.5(CDKN1B):c.100G>A (p.Gly34Ser)

Gene: CDKN1B (cyclin dependent kinase inhibitor 1B; plus strand). Cytogenetic location: 12p13.1.
Variant type: single nucleotide variant.
Coding change: c.100G>A on transcript NM_004064.5 (MANE Select); coding-DNA position 100, G replaced by A.
Protein change: p.Gly34Ser; replaces glycine 34 with serine.
Molecular consequence: missense variant.
Genome position (GRCh38, 1-based): chr12:12,717,939, G>A. VCF-style: chr12-12717939-G-A. GRCh37 (hg19) VCF-style: chr12-12870873-G-A.
Other names: c.100G>A (NM_004064.3); short protein forms G34S.
Identifiers: ClinVar variation 861418 (VCV000861418.10), dbSNP rs1946488422, ClinGen allele CA383968577.

ClinVar aggregate classification (germline): Uncertain significance. Review status: criteria provided, multiple submitters, no conflicts (2 of 4 stars). 2 submissions from 2 submitters: Uncertain significance (2). Last evaluated 2026-03-13.

Conditions:
Hereditary cancer-predisposing syndrome. Also called: Hereditary Cancer Syndrome; Tumor predisposition; Neoplastic Syndromes, Hereditary; Hereditary neoplastic syndrome. Identifiers: Orphanet 140162, MedGen C0027672, MeSH D009386, MONDO:0015356.
Multiple endocrine neoplasia type 4. Also called: MULTIPLE ENDOCRINE NEOPLASIA, TYPE IV. Identifiers: Orphanet 276152, MedGen C1970712, MONDO:0012552, OMIM 610755.

Submissions (2):

Ambry Genetics
Classification: Uncertain significance for Hereditary cancer-predisposing syndrome. Last evaluated: 2026-03-13. Review status: criteria provided, single submitter. Criteria: Ambry Variant Classification Scheme 2023. Collection method: clinical testing. Allele origin: germline.
Comment: The p.G34S variant (also known as c.100G>A), located in coding exon 1 of the CDKN1B gene, results from a G to A substitution at nucleotide position 100. The glycine at codon 34 is replaced by serine, an amino acid with similar properties. This amino acid position is conserved. In addition, this alteration is predicted to be deleterious by in silico analysis. Based on the available evidence, the clinical significance of this variant remains unclear.

Labcorp Genetics (formerly Invitae), Labcorp
Classification: Uncertain significance for Multiple endocrine neoplasia type 4. Last evaluated: 2019-03-22. Review status: criteria provided, single submitter. Criteria: Invitae Variant Classification Sherloc (09022015). Collection method: clinical testing. Allele origin: germline.
Comment: In summary, the available evidence is currently insufficient to determine the role of this variant in disease. Therefore, it has been classified as a Variant of Uncertain Significance. Algorithms developed to predict the effect of missense changes on protein structure and function (SIFT, PolyPhen-2, Align-GVGD) all suggest that this variant is likely to be disruptive, but these predictions have not been confirmed by published functional studies and their clinical significance is uncertain. This variant has not been reported in the literature in individuals with CDKN1B-related conditions. This variant is not present in population databases (ExAC no frequency). This sequence change replaces glycine with serine at codon 34 of the CDKN1B protein (p.Gly34Ser). The glycine residue is highly conserved and there is a small physicochemical difference between glycine and serine.